The following is an entry in ClinVar:

NM_001943.5(DSG2):c.2830T>C (p.Ser944Pro)

Genes: DSG2 (desmoglein 2; plus strand), DSG2-AS1 (DSG2 antisense RNA 1; minus strand). Cytogenetic location: 18q12.1.
Variant type: single nucleotide variant.
Coding change: c.2830T>C on transcript NM_001943.5 (MANE Select); coding-DNA position 2830, T replaced by C.
Protein change: p.Ser944Pro; replaces serine 944 with proline.
Molecular consequence: missense variant.
Genome position (GRCh38, 1-based): chr18:31,546,216, T>C. VCF-style: chr18-31546216-T-C. GRCh37 (hg19) VCF-style: chr18-29126179-T-C.
Other names: short protein forms S944P.
Identifiers: ClinVar variation 835133 (VCV000835133.10), dbSNP rs1183510455, ClinGen allele CA402147045.

ClinVar aggregate classification (germline): Uncertain significance. Review status: criteria provided, multiple submitters, no conflicts (2 of 4 stars). 2 submissions from 2 submitters: Uncertain significance (2). Last evaluated 2025-08-24.

Conditions:
Arrhythmogenic right ventricular dysplasia 10. Also called: Arrhythmogenic Right Ventricular Dysplasia/Cardiomyopathy10; Arrhythmogenic right ventricular dysplasia/cardiomyopathy, type 10; ARRHYTHMOGENIC RIGHT VENTRICULAR DYSPLASIA, FAMILIAL, 10. Identifiers: MedGen C1857777, MONDO:0012434, OMIM 610193.
Cardiovascular phenotype. Identifiers: MedGen CN230736.

Allele frequency attached by ClinVar (database versions not stated): gnomAD exomes below 0.00001; TOPMed 0.00001.
gnomAD v4.1: 1 of 1,612,334 alleles (0.000062%); highest among the groups gnomAD compares: Non-Finnish European, 0.000085%; no homozygotes.

Submissions (2):

Labcorp Genetics (formerly Invitae), Labcorp
Classification: Uncertain significance for Arrhythmogenic right ventricular dysplasia 10. Last evaluated: 2025-08-24. Review status: criteria provided, single submitter. Criteria: Invitae Variant Classification Sherloc (09022015). Collection method: clinical testing. Allele origin: germline.
Comment: This sequence change replaces serine, which is neutral and polar, with proline, which is neutral and non-polar, at codon 944 of the DSG2 protein (p.Ser944Pro). This variant is present in population databases (no rsID available, gnomAD 0.0009%). This variant has not been reported in the literature in individuals affected with DSG2-related conditions. ClinVar contains an entry for this variant (Variation ID: 835133). Invitae Evidence Modeling of protein sequence and biophysical properties (such as structural, functional, and spatial information, amino acid conservation, physicochemical variation, residue mobility, and thermodynamic stability) indicates that this missense variant is not expected to disrupt DSG2 protein function with a negative predictive value of 95%. In summary, the available evidence is currently insufficient to determine the role of this variant in disease. Therefore, it has been classified as a Variant of Uncertain Significance.

Ambry Genetics
Classification: Uncertain significance for Cardiovascular phenotype. Last evaluated: 2025-05-27. Review status: criteria provided, single submitter. Criteria: Ambry Variant Classification Scheme 2023. Collection method: clinical testing. Allele origin: germline.
Comment: The p.S944P variant (also known as c.2830T>C), located in coding exon 15 of the DSG2 gene, results from a T to C substitution at nucleotide position 2830. The serine at codon 944 is replaced by proline, an amino acid with similar properties. This amino acid position is conserved. In addition, this alteration is predicted to be tolerated by in silico analysis. Based on the available evidence, the clinical significance of this variant remains unclear.